The following is an entry in ClinVar:

ClinVar aggregate classification (germline): Uncertain significance (1 of 4 stars; one submission).

Allele frequency attached by ClinVar (database versions not stated): gnomAD exomes below 0.00001.
gnomAD v4.1: 3 of 1,613,408 alleles (0.00019%); highest among the groups gnomAD compares: Admixed American, 0.0017%; no homozygotes.

Submission:

Women's Health and Genetics/Laboratory Corporation of America, LabCorp
Classification: Uncertain significance. Last evaluated: 2021-07-05. Review status: criteria provided, single submitter. Criteria: LabCorp Variant Classification Summary - May 2015. Collection method: clinical testing. Allele origin: germline.
Comment: Variant summary: TTN c.35735A>G (p.Glu11912Gly) results in a non-conservative amino acid change located in the I-band region of the encoded protein sequence. Four of five in-silico tools predict a damaging effect of the variant on protein function. The variant allele was found at a frequency of 4e-06 in 248066 control chromosomes. The available data on variant occurrences in the general population are insufficient to allow any conclusion about variant significance. To our knowledge, no occurrence of c.35735A>G in individuals affected with Dilated Cardiomyopathy and no experimental evidence demonstrating its impact on protein function have been reported. No clinical diagnostic laboratories have submitted clinical-significance assessments for this variant to ClinVar after 2014. Based on the evidence outlined above, the variant was classified as uncertain significance.

NM_001267550.2(TTN):c.43439A>G (p.Glu14480Gly)

Gene: TTN (titin; minus strand). Cytogenetic location: 2q31.2.
Variant type: single nucleotide variant.
Coding change: c.43439A>G on transcript NM_001267550.2 (MANE Select); coding-DNA position 43439, A replaced by G.
Protein change: p.Glu14480Gly; replaces glutamic acid 14480 with glycine.
Molecular consequence: missense variant.
Genome position (GRCh38, 1-based): chr2:178,632,567, T>C on the plus strand (A>G on the coding strand, the complement: TTN is on the minus strand). VCF-style: chr2-178632567-T-C. GRCh37 (hg19) VCF-style: chr2-179497294-T-C.
Other names: c.16820A>G, p.Glu5607Gly (NM_133437.4); c.16619A>G, p.Glu5540Gly (NM_133432.3); c.35735A>G, p.Glu11912Gly (NM_133378.4); c.16244A>G, p.Glu5415Gly (NM_003319.4); c.38516A>G, p.Glu12839Gly (NM_001256850.1); short protein forms E11912G, E12839G, E14480G, E5415G, E5540G, E5607G.
Identifiers: ClinVar variation 1177265 (VCV001177265.1), dbSNP rs1449008181, ClinGen allele CA349650678.
Genomic context (GRCh38, chr2:178,632,567, plus strand): 5'-ATTTGATAAAACTATTTACCTTCAATGATCAGTTTGCCACTTGTGTGCTTATCTTCAGCT[T>C]CAAACATGTATTTTGCTTCATCTTCAAAAGCAGCTGACTTGATCACCATTGAATGCTTAG-3'
Protein context (NP_001254479.2, residues 14470-14490): AFEDEAKYMF[Glu14480Gly]AEDKHTSGKL